The following is an entry in ClinVar:

ClinVar aggregate classification (germline): Uncertain significance (1 of 4 stars; one submission).

Conditions:
Gastrointestinal stromal tumor. Also called: Gastrointestinal stromal tumor, somatic; Gastrointestinal stroma tumor. Identifiers: Orphanet 44890, MedGen C0238198, MeSH D046152, MONDO:0011719, OMIM 606764, HP:0100723.

Submission:

Labcorp Genetics (formerly Invitae), Labcorp
Classification: Uncertain significance for Gastrointestinal stromal tumor. Last evaluated: 2017-12-05. Review status: criteria provided, single submitter. Criteria: Invitae Variant Classification Sherloc (09022015). Collection method: clinical testing. Allele origin: germline.
Comment: A gross duplication of the genomic region encompassing the full coding sequence of the KIT gene has been identified. The boundaries of this event are unknown as the duplication extends beyond the assayed region for this gene and therefore may encompass additional genes. As the precise location of this duplication is unknown, it may be in tandem or it may be located elsewhere in the genome. This particular duplication has not been reported previously in the literature. In summary, this is a duplication involving the entire coding region of the KIT gene. However, the genomic location and orientation of the duplicated sequence is unknown. For these reasons, this change has been classified as a Variant of Uncertain Significance.

NC_000004.11:g.(?_55524176)_(55604729_?)dup

Gene: KIT (KIT proto-oncogene, receptor tyrosine kinase; plus strand). Cytogenetic location: 4q12.
Variant type: Duplication.
Identifiers: ClinVar variation 528721 (VCV000528721.1).